The following is an entry in ClinVar:

ClinVar aggregate classification (germline): Uncertain significance (1 of 4 stars; one submission).

Allele frequency attached by ClinVar (database versions not stated): gnomAD exomes below 0.00001; ExAC 0.00001; TOPMed 0.00002; gnomAD 0.00003.
gnomAD v4.1: 6 of 1,612,904 alleles (0.00037%); highest among the groups gnomAD compares: African/African-American, 0.008%; no homozygotes.

Submission:

Labcorp Genetics (formerly Invitae), Labcorp
Classification: Uncertain significance. Last evaluated: 2021-12-21. Review status: criteria provided, single submitter. Criteria: Invitae Variant Classification Sherloc (09022015). Collection method: clinical testing. Allele origin: germline.
Comment: This sequence change replaces isoleucine, which is neutral and non-polar, with threonine, which is neutral and polar, at codon 328 of the POC1B protein (p.Ile328Thr). This variant is present in population databases (rs780977321, gnomAD 0.02%). This variant has not been reported in the literature in individuals affected with POC1B-related conditions. Algorithms developed to predict the effect of missense changes on protein structure and function are either unavailable or do not agree on the potential impact of this missense change (SIFT: "Tolerated"; PolyPhen-2: "Possibly Damaging"; Align-GVGD: "Class C0"). In summary, the available evidence is currently insufficient to determine the role of this variant in disease. Therefore, it has been classified as a Variant of Uncertain Significance.

NM_172240.3(POC1B):c.983T>C (p.Ile328Thr)

Genes: POC1B (POC1 centriolar protein B; minus strand), POC1B-DUSP6 (POC1B-DUSP6 readthrough; minus strand). Cytogenetic location: 12q21.33.
Variant type: single nucleotide variant.
Coding change: c.983T>C on transcript NM_172240.3 (MANE Select); coding-DNA position 983, T replaced by C.
Protein change: p.Ile328Thr; replaces isoleucine 328 with threonine.
Molecular consequence: missense variant. On other transcripts: non-coding transcript variant (2).
Genome position (GRCh38, 1-based): chr12:89,466,819, A>G on the plus strand (T>C on the coding strand, the complement: POC1B is on the minus strand). VCF-style: chr12-89466819-A-G. GRCh37 (hg19) VCF-style: chr12-89860596-A-G.
Other names: c.857T>C, p.Ile286Thr (NM_001199777.2); short protein forms I328T, I286T.
Identifiers: ClinVar variation 1899009 (VCV001899009.2), dbSNP rs780977321, ClinGen allele CA6714336.